The following is an entry in ClinVar:

NM_032271.3(TRAF7):c.1A>G (p.Met1Val)

Gene: TRAF7 (TNF receptor associated factor 7; plus strand). Cytogenetic location: 16p13.3.
Variant type: single nucleotide variant.
Coding change: c.1A>G on transcript NM_032271.3 (MANE Select); coding-DNA position 1, A replaced by G.
Protein change: p.Met1Val; changes the start codon (methionine 1).
Molecular consequence: missense variant, initiator codon variant.
Genome position (GRCh38, 1-based): chr16:2,163,921, A>G. VCF-style: chr16-2163921-A-G. GRCh37 (hg19) VCF-style: chr16-2213922-A-G.
Other names: short protein forms M1V.
Identifiers: ClinVar variation 1801084 (VCV001801084.2), dbSNP rs2093067299, ClinGen allele CA394308171.

ClinVar aggregate classification (germline): Uncertain significance (1 of 4 stars; one submission).

Allele frequency attached by ClinVar (database versions not stated): gnomAD exomes 0.00001.

Submission:

GeneDx
Classification: Uncertain significance. Last evaluated: 2022-05-25. Review status: criteria provided, single submitter. Criteria: GeneDx Variant Classification Process June 2021. Collection method: clinical testing. Allele origin: germline. Affected: yes.
Comment: Not observed at significant frequency in large population cohorts (gnomAD); Initiation codon variant in a gene for which loss of function is not a known mechanism of disease; Has not been previously published as pathogenic or benign to our knowledge